The following is an entry in ClinVar:

NM_001012339.3(DNAJC21):c.50A>T (p.Glu17Val)

Genes: DNAJC21 (DnaJ heat shock protein family (Hsp40) member C21; plus strand), LOC129993792 (ATAC-STARR-seq lymphoblastoid silent region 15969; plus strand). Cytogenetic location: 5p13.2.
Variant type: single nucleotide variant.
Coding change: c.50A>T on transcript NM_001012339.3 (MANE Select); coding-DNA position 50, A replaced by T.
Protein change: p.Glu17Val; replaces glutamic acid 17 with valine.
Molecular consequence: missense variant.
Genome position (GRCh38, 1-based): chr5:34,929,869, A>T. VCF-style: chr5-34929869-A-T. GRCh37 (hg19) VCF-style: chr5-34929974-A-T.
Other names: c.50A>T (NM_001012339.2); c.50A>T, p.Glu17Val (NM_001348420.2, NM_194283.4); short protein forms E17V.
Identifiers: ClinVar variation 2094655 (VCV002094655.6), dbSNP rs761693334, ClinGen allele CA116881189.

ClinVar aggregate classification (germline): Uncertain significance. Review status: criteria provided, multiple submitters, no conflicts (2 of 4 stars). 2 submissions from 2 submitters: Uncertain significance (2). Last evaluated 2024-01-12.

Conditions:
DNAJC21-related disorder. Also called: DNAJC21-related condition.

gnomAD v4.1: 4 of 1,573,008 alleles (0.00025%); highest among the groups gnomAD compares: Non-Finnish European, 0.00034%; no homozygotes.

Submissions (3):

Labcorp Genetics (formerly Invitae), Labcorp
Classification: Uncertain significance. Last evaluated: 2024-01-12. Review status: criteria provided, single submitter. Criteria: Invitae Variant Classification Sherloc (09022015). Collection method: clinical testing. Allele origin: germline.
Comment: This sequence change replaces glutamic acid, which is acidic and polar, with valine, which is neutral and non-polar, at codon 17 of the DNAJC21 protein (p.Glu17Val). This variant is present in population databases (no rsID available, gnomAD 0.002%). This variant has not been reported in the literature in individuals affected with DNAJC21-related conditions. ClinVar contains an entry for this variant (Variation ID: 2094655). An algorithm developed to predict the effect of missense changes on protein structure and function (PolyPhen-2) suggests that this variant is likely to be disruptive. In summary, the available evidence is currently insufficient to determine the role of this variant in disease. Therefore, it has been classified as a Variant of Uncertain Significance.

PreventionGenetics, part of Exact Sciences
Classification: Uncertain significance for DNAJC21-related condition. Last evaluated: 2023-09-29. Review status: criteria provided, single submitter. Criteria: ACMG Guidelines, 2015. Collection method: clinical testing. Allele origin: germline.
Comment: The DNAJC21 c.50A>T variant is predicted to result in the amino acid substitution p.Glu17Val. To our knowledge, this variant has not been reported in the literature. This variant is reported in 0.0010% of alleles in individuals of European (Non-Finnish) descent in gnomAD. At this time, the clinical significance of this variant is uncertain due to the absence of conclusive functional and genetic evidence.

Dr. Peter K. Rogan Lab, Western University
No classification provided (evidence only). Condition: Ovarian serous cystadenocarcinoma. Review status: no classification provided. Collection method: in vitro. Allele origin: not applicable. Functional consequence: retained intron. Not counted in ClinVar's aggregate classification.